The following is an entry in ClinVar:

ClinVar aggregate classification (germline): Uncertain significance (1 of 4 stars; one submission).

Conditions:
CPOX-related disorder. Also called: CPOX-related disorders; CPOX-related condition.

Allele frequency attached by ClinVar (database versions not stated): ExAC 0.00001.

Submission:

PreventionGenetics, part of Exact Sciences
Classification: Uncertain significance for CPOX-related condition. Last evaluated: 2022-12-09. Review status: criteria provided, single submitter. Criteria: ACMG Guidelines, 2015. Collection method: clinical testing. Allele origin: germline.
Comment: The CPOX c.1345C>T variant is predicted to result in the amino acid substitution p.Pro449Ser. To our knowledge, this variant has not been reported in the literature or in a large population database, indicating this variant is rare. At this time, the clinical significance of this variant is uncertain due to the absence of conclusive functional and genetic evidence.

NM_000097.7(CPOX):c.1345C>T (p.Pro449Ser)

Gene: CPOX (coproporphyrinogen oxidase; minus strand). Cytogenetic location: 3q11.2.
Variant type: single nucleotide variant.
Coding change: c.1345C>T on transcript NM_000097.7 (MANE Select); coding-DNA position 1345, C replaced by T.
Protein change: p.Pro449Ser; replaces proline 449 with serine.
Molecular consequence: missense variant.
Genome position (GRCh38, 1-based): chr3:98,580,703, G>A on the plus strand (C>T on the coding strand, the complement: CPOX is on the minus strand). VCF-style: chr3-98580703-G-A. GRCh37 (hg19) VCF-style: chr3-98299547-G-A.
Other names: short protein forms P449S.
Identifiers: ClinVar variation 2629606 (VCV002629606.1), dbSNP rs771996976, ClinGen allele CA2511441.